The following is an entry in ClinVar:

NM_000283.4(PDE6B):c.415G>A (p.Val139Met)

Gene: PDE6B (phosphodiesterase 6B; plus strand). Cytogenetic location: 4p16.3.
Variant type: single nucleotide variant.
Coding change: c.415G>A on transcript NM_000283.4 (MANE Select); coding-DNA position 415, G replaced by A.
Protein change: p.Val139Met; replaces valine 139 with methionine.
Molecular consequence: missense variant.
Genome position (GRCh38, 1-based): chr4:626,041, G>A. VCF-style: chr4-626041-G-A. GRCh37 (hg19) VCF-style: chr4-619830-G-A.
Other names: c.415G>A, p.Val139Met (NM_001145291.2); short protein forms V139M.
Identifiers: ClinVar variation 2049499 (VCV002049499.4), dbSNP rs545001524, ClinGen allele CA2793938.

ClinVar aggregate classification (germline): Uncertain significance (1 of 4 stars; one submission).

Allele frequency attached by ClinVar (database versions not stated): TOPMed 0.00001; gnomAD 0.00002; ExAC 0.00011.

Submission:

Labcorp Genetics (formerly Invitae), Labcorp
Classification: Uncertain significance. Last evaluated: 2022-11-01. Review status: criteria provided, single submitter. Criteria: Invitae Variant Classification Sherloc (09022015). Collection method: clinical testing. Allele origin: germline.
Comment: In summary, the available evidence is currently insufficient to determine the role of this variant in disease. Therefore, it has been classified as a Variant of Uncertain Significance. Advanced modeling of protein sequence and biophysical properties (such as structural, functional, and spatial information, amino acid conservation, physicochemical variation, residue mobility, and thermodynamic stability) has been performed at Invitae for this missense variant, however the output from this modeling did not meet the statistical confidence thresholds required to predict the impact of this variant on PDE6B protein function. This variant has not been reported in the literature in individuals affected with PDE6B-related conditions. This variant is present in population databases (rs545001524, gnomAD 0.03%). This sequence change replaces valine, which is neutral and non-polar, with methionine, which is neutral and non-polar, at codon 139 of the PDE6B protein (p.Val139Met).